The following is an entry in ClinVar:

NM_024411.5(PDYN):c.746G>A (p.Gly249Glu)

Genes: PDYN (prodynorphin; minus strand), PDYN-AS1 (PDYN antisense RNA 1; plus strand). Cytogenetic location: 20p13.
Variant type: single nucleotide variant.
Coding change: c.746G>A on transcript NM_024411.5 (MANE Select); coding-DNA position 746, G replaced by A.
Protein change: p.Gly249Glu; replaces glycine 249 with glutamic acid.
Molecular consequence: missense variant.
Genome position (GRCh38, 1-based): chr20:1,980,342, C>T on the plus strand (G>A on the coding strand, the complement: PDYN is on the minus strand). VCF-style: chr20-1980342-C-T. GRCh37 (hg19) VCF-style: chr20-1960988-C-T.
Other names: c.746G>A, p.Gly249Glu (NM_001190892.1, NM_001190898.3, NM_001190899.2 and 1 more transcripts); short protein forms G249E.
Identifiers: ClinVar variation 1473877 (VCV001473877.6), dbSNP rs772841725, ClinGen allele CA9730207.
Genomic context (GRCh38, chr20:1,980,342, plus strand): 5'-GTCAGGGGTTTCTCCTGACTCTACTCCATGAAAAGAGGTGCTTATGCATCAAAAAGCTCT[C>T]CAGAGTAAGCATTCGGATCTTCCTGAGACCGAGTCACCACCTTGAACTGGCGCCGGAGAA-3'
Protein context (NP_077722.1, residues 239-254): RSQEDPNAYS[Gly249Glu]ELFDA

ClinVar aggregate classification (germline): Uncertain significance (1 of 4 stars; one submission).

Allele frequency attached by ClinVar (database versions not stated): gnomAD exomes 0.00001; ExAC 0.00002.
gnomAD v4.1: 3 of 1,614,110 alleles (0.00019%); highest among the groups gnomAD compares: South Asian, 0.0011%; no homozygotes.

Submission:

Labcorp Genetics (formerly Invitae), Labcorp
Classification: Uncertain significance. Last evaluated: 2021-12-02. Review status: criteria provided, single submitter. Criteria: Invitae Variant Classification Sherloc (09022015). Collection method: clinical testing. Allele origin: germline.
Comment: This sequence change replaces glycine, which is neutral and non-polar, with glutamic acid, which is acidic and polar, at codon 249 of the PDYN protein (p.Gly249Glu). This variant is present in population databases (rs772841725, gnomAD 0.003%). This variant has not been reported in the literature in individuals affected with PDYN-related conditions. Algorithms developed to predict the effect of missense changes on protein structure and function output the following: SIFT: "Tolerated"; PolyPhen-2: "Benign"; Align-GVGD: "Class C0". The glutamic acid amino acid residue is found in multiple mammalian species, which suggests that this missense change does not adversely affect protein function. In summary, the available evidence is currently insufficient to determine the role of this variant in disease. Therefore, it has been classified as a Variant of Uncertain Significance.